The following is an entry in ClinVar:

ClinVar aggregate classification (germline): Uncertain significance (1 of 4 stars; one submission).

Conditions:
Walker-Warburg congenital muscular dystrophy. Also called: Muscular dystrophy-dystroglycanopathy, type A; Walker-Warburg syndrome. Identifiers: Orphanet 899, MedGen C0265221, MONDO:0000171.
Muscular dystrophy-dystroglycanopathy (congenital with impaired intellectual development), type B, 1. Also called: MUSCULAR DYSTROPHY, CONGENITAL, POMT1-RELATED; Muscular dystrophy-dystroglycanopathy (congenital with intellectual disability), type B1. Identifiers: MedGen C5436962, MONDO:0013159, OMIM 613155.
Autosomal recessive limb-girdle muscular dystrophy type 2K. Also called: MUSCULAR DYSTROPHY-DYSTROGLYCANOPATHY (LIMB-GIRDLE), TYPE C, 1; MUSCULAR DYSTROPHY, LIMB-GIRDLE, TYPE 2K. Identifiers: Orphanet 86812, MedGen C1836373, MONDO:0012248, OMIM 609308.

Submission:

Labcorp Genetics (formerly Invitae), Labcorp
Classification: Uncertain significance for Muscular dystrophy-dystroglycanopathy (congenital with impaired intellectual development), type B, 1; Walker-Warburg congenital muscular dystrophy; Autosomal recessive limb-girdle muscular dystrophy type 2K. Last evaluated: 2022-06-23. Review status: criteria provided, single submitter. Criteria: Invitae Variant Classification Sherloc (09022015). Collection method: clinical testing. Allele origin: germline.
Comment: This sequence change replaces isoleucine, which is neutral and non-polar, with valine, which is neutral and non-polar, at codon 272 of the POMT1 protein (p.Ile272Val). This variant is not present in population databases (gnomAD no frequency). This variant has not been reported in the literature in individuals affected with POMT1-related conditions. Algorithms developed to predict the effect of missense changes on protein structure and function output the following: SIFT: "Tolerated"; PolyPhen-2: "Benign"; Align-GVGD: "Class C0". The valine amino acid residue is found in multiple mammalian species, which suggests that this missense change does not adversely affect protein function. In summary, the available evidence is currently insufficient to determine the role of this variant in disease. Therefore, it has been classified as a Variant of Uncertain Significance.

NM_001077365.2(POMT1):c.748A>G (p.Ile250Val)

Gene: POMT1 (protein O-mannosyltransferase 1; plus strand). Cytogenetic location: 9q34.13.
Variant type: single nucleotide variant.
Coding change: c.748A>G on transcript NM_001077365.2 (MANE Select); coding-DNA position 748, A replaced by G.
Protein change: p.Ile250Val; replaces isoleucine 250 with valine.
Molecular consequence: missense variant. On other transcripts: non-coding transcript variant (10).
Genome position (GRCh38, 1-based): chr9:131,510,308, A>G. VCF-style: chr9-131510308-A-G. GRCh37 (hg19) VCF-style: chr9-134385695-A-G.
Other names: c.586A>G, p.Ile196Val (NM_001077366.2, NM_001353194.2, NM_001374693.1); c.748A>G, p.Ile250Val (NM_001136113.2, NM_001374690.1); c.397A>G, p.Ile133Val (NM_001136114.2, NM_001353195.2, NM_001374691.1 and 1 more transcripts); c.814A>G, p.Ile272Val (NM_001353193.2, NM_007171.4); c.658A>G, p.Ile220Val (NM_001353196.2); c.652A>G, p.Ile218Val (NM_001353197.2, NM_001353198.2); c.463A>G, p.Ile155Val (NM_001353199.2); c.292A>G, p.Ile98Val (NM_001353200.2); and 3 more; short protein forms I120V, I220V, I218V, I98V, I133V, I155V, I272V, H244R.
Identifiers: ClinVar variation 1961915 (VCV001961915.2), dbSNP rs951228525, ClinGen allele CA200784824.